The following is an entry in ClinVar:

NM_001291415.2(KDM6A):c.1106A>G (p.Gln369Arg)

Gene: KDM6A (lysine demethylase 6A; plus strand). Cytogenetic location: Xp11.3.
Variant type: single nucleotide variant.
Coding change: c.1106A>G on transcript NM_001291415.2 (MANE Select); coding-DNA position 1106, A replaced by G.
Protein change: p.Gln369Arg; replaces glutamine 369 with arginine.
Molecular consequence: missense variant. On other transcripts: non-coding transcript variant (1).
Genome position (GRCh38, 1-based): chrX:45,059,378, A>G. VCF-style: chrX-45059378-A-G. GRCh37 (hg19) VCF-style: chrX-44918623-A-G.
Other names: c.1106A>G, p.Gln369Arg (NM_001291416.2, NM_001291417.2, NM_001291418.2 and 1 more transcripts); c.353A>G, p.Gln118Arg (NM_001291421.2); short protein forms Q118R, Q369R.
Identifiers: ClinVar variation 871197 (VCV000871197.44), dbSNP rs1335822460, ClinGen allele CA412782658.

ClinVar aggregate classification (germline): Uncertain significance. Review status: criteria provided, multiple submitters, no conflicts (2 of 4 stars). 2 submissions from 2 submitters: Uncertain significance (2). Last evaluated 2023-10-04.

Conditions:
Kabuki syndrome 2 (KABUK2). Also called: KDM6A-Related Kabuki Syndrome. Identifiers: Orphanet 2322, MedGen C3275495, MONDO:0010465, OMIM 300867.

Allele frequency attached by ClinVar (database versions not stated): gnomAD exomes below 0.00001.
gnomAD v4.1: 4 of 1,211,017 alleles (0.00033%); highest among the groups gnomAD compares: Non-Finnish European, 0.00045%; no homozygotes.

Submissions (2):

Labcorp Genetics (formerly Invitae), Labcorp
Classification: Uncertain significance for Kabuki syndrome 2. Last evaluated: 2023-10-04. Review status: criteria provided, single submitter. Criteria: Invitae Variant Classification Sherloc (09022015). Collection method: clinical testing. Allele origin: germline.
Comment: This sequence change replaces glutamine, which is neutral and polar, with arginine, which is basic and polar, at codon 369 of the KDM6A protein (p.Gln369Arg). This variant is not present in population databases (gnomAD no frequency). This variant has not been reported in the literature in individuals affected with KDM6A-related conditions. ClinVar contains an entry for this variant (Variation ID: 871197). Advanced modeling of protein sequence and biophysical properties (such as structural, functional, and spatial information, amino acid conservation, physicochemical variation, residue mobility, and thermodynamic stability) has been performed at Invitae for this missense variant, however the output from this modeling did not meet the statistical confidence thresholds required to predict the impact of this variant on KDM6A protein function. In summary, the available evidence is currently insufficient to determine the role of this variant in disease. Therefore, it has been classified as a Variant of Uncertain Significance.

CeGaT Center for Human Genetics Tuebingen
Classification: Uncertain significance. Last evaluated: 2019-11-01. Review status: criteria provided, single submitter. Criteria: CeGaT Center For Human Genetics Tuebingen Variant Classification Criteria Version 2. Collection method: clinical testing. Allele origin: germline. Affected: yes. Observed: 1 variant allele.